The following is an entry in ClinVar:

ClinVar aggregate classification (germline): Uncertain significance (1 of 4 stars; one submission).

Conditions:
H syndrome. Also called: Histiocytosis with joint contractures and sensorineural deafness; Pigmented hypertrichosis and insulin-dependent diabetes mellitus; HISTIOCYTOSIS AND LYMPHADENOPATHY WITH OR WITHOUT CUTANEOUS, CARDIAC, AND/OR ENDOCRINE FEATURES, JOINT CONTRACTURES, AND/OR DEAFNESS; HYPERPIGMENTATION, CUTANEOUS, WITH HYPERTRICHOSIS, HEPATOSPLENOMEGALY, HEART ANOMALIES, AND HYPOGONADISM WITH OR WITHOUT HEARING LOSS; PIGMENTED HYPERTRICHOSIS WITH INSULIN-DEPENDENT DIABETES MELLITUS; ROSAI-DORFMAN DISEASE, FAMILIAL. Identifiers: Orphanet 168569, MedGen C1864445, MONDO:0011273, OMIM 602782.

Submission:

Labcorp Genetics (formerly Invitae), Labcorp
Classification: Uncertain significance for H syndrome. Last evaluated: 2021-08-27. Review status: criteria provided, single submitter. Criteria: Invitae Variant Classification Sherloc (09022015). Collection method: clinical testing. Allele origin: germline.
Comment: In summary, the available evidence is currently insufficient to determine the role of this variant in disease. Therefore, it has been classified as a Variant of Uncertain Significance. Algorithms developed to predict the effect of missense changes on protein structure and function are either unavailable or do not agree on the potential impact of this missense change (SIFT: "Tolerated"; PolyPhen-2: "Probably Damaging"; Align-GVGD: "Class C0"). This variant has not been reported in the literature in individuals affected with SLC29A3-related conditions. This variant is not present in population databases (ExAC no frequency). This sequence change replaces alanine with valine at codon 206 of the SLC29A3 protein (p.Ala206Val). The alanine residue is moderately conserved and there is a small physicochemical difference between alanine and valine.

NM_018344.6(SLC29A3):c.617C>T (p.Ala206Val)

Gene: SLC29A3 (solute carrier family 29 member 3; plus strand). Cytogenetic location: 10q22.1.
Variant type: single nucleotide variant.
Coding change: c.617C>T on transcript NM_018344.6 (MANE Select); coding-DNA position 617, C replaced by T.
Protein change: p.Ala206Val; replaces alanine 206 with valine.
Molecular consequence: missense variant. On other transcripts: non-coding transcript variant (2).
Genome position (GRCh38, 1-based): chr10:71,356,087, C>T. VCF-style: chr10-71356087-C-T. GRCh37 (hg19) VCF-style: chr10-73115844-C-T.
Other names: c.617C>T, p.Ala206Val (NM_001174098.2); c.383C>T, p.Ala128Val (NM_001363518.2); short protein forms A128V, A206V.
Identifiers: ClinVar variation 1382634 (VCV001382634.6), dbSNP rs779297305, ClinGen allele CA377111122.
Genomic context (GRCh38, chr10:71,356,087, plus strand): 5'-CCACTCCTCCTCGCCCACCCCTCACCATCTCTGCGTGTCCTCTGTTCTCTGCAGGAGGAG[C>T]CATGGGCGGGACGGTCAGCGCCGTGGCCTCATTGGTGGACTTGGCTGCATCCAGTGATGT-3'
Protein context (NP_060814.4, residues 196-216): RNSQALISGG[Ala206Val]MGGTVSAVAS